The following is an entry in ClinVar:

ClinVar aggregate classification (germline): Uncertain significance (1 of 4 stars; one submission).

Conditions:
EGFR-related lung cancer (EGFR). Identifiers: MedGen CN130014.

Submission:

Labcorp Genetics (formerly Invitae), Labcorp
Classification: Uncertain significance for EGFR-related lung cancer. Last evaluated: 2023-11-10. Review status: criteria provided, single submitter. Criteria: Invitae Variant Classification Sherloc (09022015). Collection method: clinical testing. Allele origin: germline.
Comment: This sequence change replaces threonine, which is neutral and polar, with lysine, which is basic and polar, at codon 678 of the EGFR protein (p.Thr678Lys). This variant is not present in population databases (gnomAD no frequency). This variant has not been reported in the literature in individuals affected with EGFR-related conditions. Advanced modeling of protein sequence and biophysical properties (such as structural, functional, and spatial information, amino acid conservation, physicochemical variation, residue mobility, and thermodynamic stability) performed at Invitae indicates that this missense variant is not expected to disrupt EGFR protein function with a negative predictive value of 80%. In summary, the available evidence is currently insufficient to determine the role of this variant in disease. Therefore, it has been classified as a Variant of Uncertain Significance.

NM_005228.5(EGFR):c.2033C>A (p.Thr678Lys)

Gene: EGFR (epidermal growth factor receptor; plus strand). Cytogenetic location: 7p11.2.
Variant type: single nucleotide variant.
Coding change: c.2033C>A on transcript NM_005228.5 (MANE Select); coding-DNA position 2033, C replaced by A.
Protein change: p.Thr678Lys; replaces threonine 678 with lysine.
Molecular consequence: missense variant.
Genome position (GRCh38, 1-based): chr7:55,173,096, C>A. VCF-style: chr7-55173096-C-A. GRCh37 (hg19) VCF-style: chr7-55240789-C-A.
Other names: c.1898C>A, p.Thr633Lys (NM_001346897.2, NM_001346899.2); c.2033C>A, p.Thr678Lys (NM_001346898.2); c.1874C>A, p.Thr625Lys (NM_001346900.2); c.1232C>A, p.Thr411Lys (NM_001346941.2); short protein forms T633K, T678K, T411K, T625K.
Identifiers: ClinVar variation 2885936 (VCV002885936.3), dbSNP rs138193597, ClinGen allele CA367583218.